The following is an entry in ClinVar:

ClinVar aggregate classification (germline): Uncertain significance (1 of 4 stars; one submission).

Conditions:
KMT2A-related disorder. Also called: KMT2A-related condition.

Submission:

PreventionGenetics, part of Exact Sciences
Classification: Uncertain significance for KMT2A-related condition. Last evaluated: 2025-12-31. Review status: criteria provided, single submitter. Criteria: ACMG Guidelines, 2015. Collection method: clinical testing. Allele origin: germline.
Comment: The KMT2A c.5179-2A>G variant is predicted to disrupt the AG splice acceptor site and interfere with normal splicing. To our knowledge, this variant has not been reported in the literature or in a large population database (gnomAD), indicating this variant is rare. Variants that disrupt the consensus splice donor site in KMT2A are expected to be pathogenic. Although we suspect that this variant may be pathogenic, at this time, the clinical significance of this variant is uncertain due to the absence of conclusive functional and genetic evidence.

NM_001197104.2(KMT2A):c.5179-2A>G

Gene: KMT2A (lysine methyltransferase 2A; plus strand). Cytogenetic location: 11q23.3.
Variant type: single nucleotide variant.
Coding change: c.5179-2A>G on transcript NM_001197104.2 (MANE Select); the canonical splice acceptor site of the intron before coding-DNA position 5179, A replaced by G.
Molecular consequence: splice acceptor variant.
Genome position (GRCh38, 1-based): chr11:118,494,286, A>G. VCF-style: chr11-118494286-A-G. GRCh37 (hg19) VCF-style: chr11-118365001-A-G.
Other names: c.5269-2A>G (NM_001412597.1); c.5170-2A>G (NM_005933.4).
Identifiers: ClinVar variation 4985106 (VCV004985106.1).